The following is an entry in ClinVar:

NM_001256789.3(CACNA1F):c.5572A>G (p.Ser1858Gly)

Gene: CACNA1F (calcium voltage-gated channel subunit alpha1 F; minus strand). Cytogenetic location: Xp11.23.
Variant type: single nucleotide variant.
Coding change: c.5572A>G on transcript NM_001256789.3 (MANE Select); coding-DNA position 5572, A replaced by G.
Protein change: p.Ser1858Gly; replaces serine 1858 with glycine.
Molecular consequence: missense variant.
Genome position (GRCh38, 1-based): chrX:49,205,714, T>C on the plus strand (A>G on the coding strand, the complement: CACNA1F is on the minus strand). VCF-style: chrX-49205714-T-C. GRCh37 (hg19) VCF-style: chrX-49062174-T-C.
Other names: c.5410A>G, p.Ser1804Gly (NM_001256790.3); c.5605A>G, p.Ser1869Gly (NM_005183.4); short protein forms S1804G, S1858G, S1869G.
Identifiers: ClinVar variation 1495310 (VCV001495310.9), dbSNP rs1207518269, ClinGen allele CA412957143.

ClinVar aggregate classification (germline): Uncertain significance. Review status: criteria provided, multiple submitters, no conflicts (2 of 4 stars). 2 submissions from 2 submitters: Uncertain significance (2). Last evaluated 2021-04-06.

Allele frequency attached by ClinVar (database versions not stated): gnomAD 0.00001; TOPMed 0.00001.
gnomAD v4.1: 1 of 1,203,320 alleles (0.000083%); highest among the groups gnomAD compares: Non-Finnish European, 0.00011%; no homozygotes.

Submissions (2):

Labcorp Genetics (formerly Invitae), Labcorp
Classification: Uncertain significance. Last evaluated: 2021-04-06. Review status: criteria provided, single submitter. Criteria: Invitae Variant Classification Sherloc (09022015). Collection method: clinical testing. Allele origin: germline.
Comment: This sequence change replaces serine with glycine at codon 1869 of the CACNA1F protein (p.Ser1869Gly). The serine residue is weakly conserved and there is a small physicochemical difference between serine and glycine. This variant is not present in population databases (ExAC no frequency). This variant has not been reported in the literature in individuals with CACNA1F-related conditions. Algorithms developed to predict the effect of missense changes on protein structure and function output the following: SIFT: "Tolerated"; PolyPhen-2: "Benign"; Align-GVGD: "Class C0". The glycine amino acid residue is found in multiple mammalian species, suggesting that this missense change does not adversely affect protein function. These predictions have not been confirmed by published functional studies and their clinical significance is uncertain. In summary, the available evidence is currently insufficient to determine the role of this variant in disease. Therefore, it has been classified as a Variant of Uncertain Significance.

Blueprint Genetics
Classification: Uncertain significance. Last evaluated: 2021-02-19. Review status: criteria provided, single submitter. Criteria: ACMG Guidelines, 2015. Collection method: clinical testing. Allele origin: germline.